The following is an entry in ClinVar:

NM_017534.6(MYH2):c.5173C>G (p.Gln1725Glu)

Genes: MYH2 (myosin heavy chain 2; minus strand), MYHAS (myosin heavy chain gene cluster antisense RNA; plus strand). Cytogenetic location: 17p13.1.
Variant type: single nucleotide variant.
Coding change: c.5173C>G on transcript NM_017534.6 (MANE Select); coding-DNA position 5173, C replaced by G.
Protein change: p.Gln1725Glu; replaces glutamine 1725 with glutamic acid.
Molecular consequence: missense variant.
Genome position (GRCh38, 1-based): chr17:10,524,468, G>C on the plus strand (C>G on the coding strand, the complement: MYH2 is on the minus strand). VCF-style: chr17-10524468-G-C. GRCh37 (hg19) VCF-style: chr17-10427785-G-C.
Other names: c.5173C>G, p.Gln1725Glu (NM_001100112.2); short protein forms Q1725E.
Identifiers: ClinVar variation 1406017 (VCV001406017.6), dbSNP rs2073322886, ClinGen allele CA398118696.

ClinVar aggregate classification (germline): Uncertain significance (1 of 4 stars; one submission).

Conditions:
Myopathy, proximal, and ophthalmoplegia (CMYO6). Also called: CONGENITAL MYOPATHY 6 WITH OPHTHALMOPLEGIA; MYOPATHY WITH CONGENITAL JOINT CONTRACTURES, OPHTHALMOPLEGIA, AND RIMMED VACUOLES; INCLUSION BODY MYOPATHY 3, AUTOSOMAL DOMINANT. Identifiers: Orphanet 363677, Orphanet 79091, MedGen C1854106, MONDO:0011577, OMIM 605637.

Submission:

Labcorp Genetics (formerly Invitae), Labcorp
Classification: Uncertain significance for Myopathy, proximal, and ophthalmoplegia. Last evaluated: 2022-04-05. Review status: criteria provided, single submitter. Criteria: Invitae Variant Classification Sherloc (09022015). Collection method: clinical testing. Allele origin: germline.
Comment: In summary, the available evidence is currently insufficient to determine the role of this variant in disease. Therefore, it has been classified as a Variant of Uncertain Significance. This sequence change replaces glutamine, which is neutral and polar, with glutamic acid, which is acidic and polar, at codon 1725 of the MYH2 protein (p.Gln1725Glu). This variant is not present in population databases (gnomAD no frequency). This variant has not been reported in the literature in individuals affected with MYH2-related conditions. Algorithms developed to predict the effect of missense changes on protein structure and function are either unavailable or do not agree on the potential impact of this missense change (SIFT: "Deleterious"; PolyPhen-2: "Benign"; Align-GVGD: "Class C25").